The following is an entry in ClinVar:

ClinVar aggregate classification (germline): Likely benign. Review status: reviewed by expert panel (3 of 4 stars). 4 submissions from 4 submitters: Likely benign (1). 3 of the submissions do not count toward it. Last evaluated 2026-02-24.

Conditions:
DICER1-related tumor predisposition. Also called: DICER1-related pleuropulmonary blastoma cancer predisposition syndrome; DICER1 syndrome. Identifiers: Orphanet 284343, MedGen C3839822, MONDO:0100216.
Hereditary cancer-predisposing syndrome. Also called: Tumor predisposition; Neoplastic Syndromes, Hereditary; Hereditary Cancer Syndrome; Hereditary neoplastic syndrome. Identifiers: Orphanet 140162, MedGen C0027672, MeSH D009386, MONDO:0015356.

Allele frequency attached by ClinVar (database versions not stated): gnomAD 0.00001 and 0.00003; gnomAD exomes 0.00001; ExAC 0.00002; TOPMed 0.00002.
gnomAD v4.1: 17 of 1,614,032 alleles (0.0011%); highest among the groups gnomAD compares: African/African-American, 0.0067%; no homozygotes.

Submissions (4):

ClinGen DICER1 and miRNA-Processing Gene Variant Curation Expert Panel, ClinGen
Classification: Likely benign for DICER1-related tumor predisposition. Last evaluated: 2026-02-24. Review status: reviewed by expert panel. Criteria: ClinGen DICER1 ACMG Specifications DICER1 V1.4.0. Collection method: curation. Allele origin: germline. Inheritance: Autosomal dominant inheritance.
Comment: The NM_177438.3:c.1813A>G variant in DICER1 is a missense variant predicted to cause substitution of methionine by valine at amino acid 605 (p.Met605Val). Although this variant has been observed in individuals undergoing genetic sequencing, to our knowledge, this variant has not been reported in individuals with DICER1-related tumor predisposition (PS4 not met; Internal lab contributors). The total allele frequency in gnomAD v4.1.0 is 0.00001053 (17/1614032 alleles) with a highest population minor allele frequency of 0.00006675 (5/74910 alleles) in the African/African American population (PM2_Supporting, BS1, and BA1 are not met). This variant has been seen in 10 or more unrelated females without tumors through age 50 in at least one testing laboratory (BS2_Supporting; Internal lab contributors). In silico tools predict no damaging impact of the variant on protein function (REVEL: 0.06; MaxEntScan and SpliceAI: no effect on splicing) (BP4). In summary, this variant meets the criteria to be classified as Likely Benign for DICER1-related tumor predisposition based on the ACMG/AMP criteria applied, as specified by the ClinGen DICER1 VCEP: BS2_Supporting, BP4. (Bayesian Points: -2; VCEP specifications version 1.4.0; 02/24/2026)

Labcorp Genetics (formerly Invitae), Labcorp
Classification: Likely benign for DICER1-related tumor predisposition. Last evaluated: 2026-01-18. Review status: criteria provided, single submitter. Criteria: Invitae Variant Classification Sherloc (09022015). Collection method: clinical testing. Allele origin: germline. Not counted in ClinVar's aggregate classification.

Center for Genomic Medicine, Rigshospitalet, Copenhagen University Hospital
Classification: Uncertain significance. Last evaluated: 2025-03-04. Review status: criteria provided, single submitter. Criteria: ACMG Guidelines, 2015. Collection method: clinical testing. Allele origin: germline. Not counted in ClinVar's aggregate classification.
Comment: Classification criteria: BP4

Ambry Genetics
Classification: Likely benign for Hereditary cancer-predisposing syndrome. Last evaluated: 2018-12-05. Review status: criteria provided, single submitter. Criteria: Ambry Variant Classification Scheme 2023. Collection method: clinical testing. Allele origin: germline. Not counted in ClinVar's aggregate classification.

NM_177438.3(DICER1):c.1813A>G (p.Met605Val)

Gene: DICER1 (dicer 1, ribonuclease III; minus strand). Cytogenetic location: 14q32.13.
Variant type: single nucleotide variant.
Coding change: c.1813A>G on transcript NM_177438.3 (MANE Select); coding-DNA position 1813, A replaced by G.
Protein change: p.Met605Val; replaces methionine 605 with valine.
Molecular consequence: missense variant.
Genome position (GRCh38, 1-based): chr14:95,115,761, T>C on the plus strand (A>G on the coding strand, the complement: DICER1 is on the minus strand). VCF-style: chr14-95115761-T-C. GRCh37 (hg19) VCF-style: chr14-95582098-T-C.
Other names: NM_177438.3(DICER1):c.1813A>G; p.Met605Val; c.1813A>G, p.Met605Val (NM_001195573.1, NM_001271282.3, NM_001291628.2 and 1 more transcripts); short protein forms M605V.
Identifiers: ClinVar variation 477064 (VCV000477064.21), dbSNP rs759958601, ClinGen allele CA7331391.